The following is an entry in ClinVar:

ClinVar aggregate classification (germline): Uncertain significance. Review status: criteria provided, multiple submitters, no conflicts (2 of 4 stars). 2 submissions from 2 submitters: Uncertain significance (2). Last evaluated 2025-06-06.

Conditions:
Inborn genetic diseases. Identifiers: MedGen C0950123, MeSH D030342.

Submissions (2):

Ambry Genetics
Classification: Uncertain significance for Inborn genetic diseases. Last evaluated: 2025-06-06. Review status: criteria provided, single submitter. Criteria: Ambry Variant Classification Scheme 2023. Collection method: clinical testing. Allele origin: germline.
Comment: The p.I2032V variant (also known as c.6094A>G), located in coding exon 23 of the FANCM gene, results from an A to G substitution at nucleotide position 6094. The isoleucine at codon 2032 is replaced by valine, an amino acid with highly similar properties. This amino acid position is conserved. In addition, this alteration is predicted to be tolerated by in silico analysis. Based on the available evidence, the clinical significance of this variant remains unclear.

GeneDx
Classification: Uncertain significance. Last evaluated: 2023-07-23. Review status: criteria provided, single submitter. Criteria: GeneDx Variant Classification Process June 2021. Collection method: clinical testing. Allele origin: germline. Affected: yes.
Comment: Not observed at significant frequency in large population cohorts (gnomAD); In silico analysis supports that this missense variant does not alter protein structure/function; Has not been previously published as pathogenic or benign to our knowledge

NM_020937.4(FANCM):c.6094A>G (p.Ile2032Val)

Gene: FANCM (FA complementation group M; plus strand). Cytogenetic location: 14q21.2.
Variant type: single nucleotide variant.
Coding change: c.6094A>G on transcript NM_020937.4 (MANE Select); coding-DNA position 6094, A replaced by G.
Protein change: p.Ile2032Val; replaces isoleucine 2032 with valine.
Molecular consequence: missense variant.
Genome position (GRCh38, 1-based): chr14:45,199,955, A>G. VCF-style: chr14-45199955-A-G. GRCh37 (hg19) VCF-style: chr14-45669158-A-G.
Other names: c.6016A>G, p.Ile2006Val (NM_001308133.2); short protein forms I2006V, I2032V.
Identifiers: ClinVar variation 3361361 (VCV003361361.2).